The following is an entry in ClinVar:

NM_005076.5(CNTN2):c.215+6G>A

Gene: CNTN2 (contactin 2; plus strand). Cytogenetic location: 1q32.1.
Variant type: single nucleotide variant.
Coding change: c.215+6G>A on transcript NM_005076.5 (MANE Select); 6 bases into the intron after coding-DNA position 215, G replaced by A.
Molecular consequence: intron variant.
Genome position (GRCh38, 1-based): chr1:205,058,071, G>A. VCF-style: chr1-205058071-G-A. GRCh37 (hg19) VCF-style: chr1-205027199-G-A.
Other names: c.215+6G>A (NM_001346083.2).
Identifiers: ClinVar variation 848625 (VCV000848625.7), dbSNP rs370377460, ClinGen allele CA1350956.

ClinVar aggregate classification (germline): Uncertain significance (1 of 4 stars; one submission).

Conditions:
Epilepsy, familial adult myoclonic, 5 (EPEO5). Also called: CORTICAL MYOCLONIC TREMOR WITH EPILEPSY, FAMILIAL, 5. Identifiers: Orphanet 86814, MedGen C3809374, MONDO:0014167, OMIM 615400.

Allele frequency attached by ClinVar (database versions not stated): TOPMed 0.00002; ESP Exome Variant Server 0.00015.
gnomAD v4.1: 116 of 1,612,916 alleles (0.0072%); highest among the groups gnomAD compares: Non-Finnish European, 0.0097%; no homozygotes.

Submission:

Labcorp Genetics (formerly Invitae), Labcorp
Classification: Uncertain significance for Epilepsy, familial adult myoclonic, 5. Last evaluated: 2024-12-02. Review status: criteria provided, single submitter. Criteria: Invitae Variant Classification Sherloc (09022015). Collection method: clinical testing. Allele origin: germline.
Comment: This sequence change falls in intron 3 of the CNTN2 gene. It does not directly change the encoded amino acid sequence of the CNTN2 protein. It affects a nucleotide within the consensus splice site. This variant is present in population databases (rs370377460, gnomAD 0.004%). This variant has not been reported in the literature in individuals affected with CNTN2-related conditions. ClinVar contains an entry for this variant (Variation ID: 848625). Variants that disrupt the consensus splice site are a relatively common cause of aberrant splicing (PMID: 17576681, 9536098). Algorithms developed to predict the effect of sequence changes on RNA splicing suggest that this variant is not likely to affect RNA splicing. In summary, the available evidence is currently insufficient to determine the role of this variant in disease. Therefore, it has been classified as a Variant of Uncertain Significance.

Literature cited by the submitters: PubMed 17576681; PubMed 9536098.